The following is an entry in ClinVar:

NM_001377.3(DYNC2H1):c.12584_12585dup (p.Asp4196fs)

Gene: DYNC2H1 (dynein cytoplasmic 2 heavy chain 1; plus strand). Cytogenetic location: 11q22.3.
Variant type: Microsatellite.
Coding change: c.12584_12585dup on transcript NM_001377.3 (MANE Select); coding-DNA positions 12584 to 12585, 2 bases duplicated (TG; older notation c.12584_12585dupTG).
Protein change: p.Asp4196fs; shifts the reading frame from aspartic acid 4196.
Molecular consequence: frameshift variant.
Genome position (GRCh38, 1-based): chr11:103,456,292-103,456,293, TG duplicated; duplicating any 2 consecutive bases within chr11:103,456,290-103,456,293 gives the same sequence; the c. name uses the placement nearest the transcript's 3' end. VCF-style (leftmost placement, unchanged base first): chr11-103456289-C-CTG. GRCh37 (hg19) VCF-style: chr11-103327017-C-CTG.
Other names: c.12605_12606dup, p.Asp4203fs (NM_001080463.2); short protein forms D4196fs, D4203fs.
Identifiers: ClinVar variation 978197 (VCV000978197.2), dbSNP rs1944784722, ClinGen allele CA1996541402.

ClinVar aggregate classification (germline): Pathogenic (0 of 4 stars; one submission).

Conditions:
Autosomal recessive retinitis pigmentosa. Identifiers: MedGen C0339526.

Submission:

Heon Lab, The Hospital for Sick Children
Classification: Pathogenic for Autosomal recessive retinitis pigmentosa. Last evaluated: 2020-05-01. Review status: no assertion criteria provided. Collection method: research. Allele origin: germline. Affected: yes. Observed: 1 variant allele.
Comment: p.Asp4196Trpfs*7 is a stop mutation verified to cause a little decrease of the transcript at the cDNA level and functional protein assay was done to show the truncated protein does not work properly

Literature cited by the submitters: PubMed 32753734.